The following is an entry in ClinVar:

NM_206933.4(USH2A):c.4121_4122del (p.Ser1374fs)

Genes: USH2A (usherin; minus strand), USH2A-AS1 (USH2A antisense RNA 1; plus strand). Cytogenetic location: 1q41.
Variant type: Microsatellite.
Coding change: c.4121_4122del on transcript NM_206933.4 (MANE Select); coding-DNA positions 4121 to 4122, 2 bases deleted (CT; older notation c.4121_4122delCT).
Protein change: p.Ser1374fs; shifts the reading frame from serine 1374.
Molecular consequence: frameshift variant.
Genome position (GRCh38, 1-based): chr1:216,196,682-216,196,683, AG deleted on the plus strand (CT on the coding strand, the reverse complement: USH2A is on the minus strand); deleting any 2 consecutive bases within chr1:216,196,682-216,196,687 gives the same sequence; the c. name uses the placement nearest the transcript's 3' end. VCF-style (leftmost placement, unchanged base first): chr1-216196681-AAG-A. GRCh37 (hg19) VCF-style: chr1-216370023-AAG-A.
Other names: c.4121_4122del, p.Ser1374fs (NM_007123.6); short protein forms S1374fs.
Identifiers: ClinVar variation 1387543 (VCV001387543.6), dbSNP rs2102460635, ClinGen allele CA2580611231.
Genomic context (GRCh38, chr1:216,196,681, plus strand): 5'-CAACTTTTCCTCTTGTAACATTATCTGCTGGCTTCTCCCAGGAGATATTGAGAGAGTACG[AAG>A]AGAGGGGAAAGACTGAAGGAGGGATCATGAATACAGGTGCTATCAATGAGAACAATAACA-3'

ClinVar aggregate classification (germline): Pathogenic (1 of 4 stars; one submission).

Submission:

Labcorp Genetics (formerly Invitae), Labcorp
Classification: Pathogenic. Last evaluated: 2021-09-08. Review status: criteria provided, single submitter. Criteria: Invitae Variant Classification Sherloc (09022015). Collection method: clinical testing. Allele origin: germline.
Comment: For these reasons, this variant has been classified as Pathogenic. This variant has not been reported in the literature in individuals affected with USH2A-related conditions. This sequence change creates a premature translational stop signal (p.Ser1374Phefs*14) in the USH2A gene. It is expected to result in an absent or disrupted protein product. Loss-of-function variants in USH2A are known to be pathogenic (PMID: 10729113, 10909849, 20507924, 25649381). This variant is not present in population databases (ExAC no frequency).

Literature cited by the submitters: PubMed 10729113; PubMed 10909849; PubMed 20507924; PubMed 25649381.